The following is an entry in ClinVar:

ClinVar aggregate classification (germline): Uncertain significance (1 of 4 stars; one submission).

Conditions:
Multiple acyl-CoA dehydrogenase deficiency (MADD). Also called: Glutaric Acidemia type 2; Glutaric aciduria, type 2; Glutaric acidemia type II; GA 2; ETHYLMALONIC-ADIPICACIDURIA; GA II. Identifiers: Orphanet 26791, MedGen C0268596, MONDO:0009282, OMIM 231680.

Allele frequency attached by ClinVar (database versions not stated): gnomAD exomes below 0.00001.
gnomAD v4.1: 1 of 1,610,846 alleles (0.000062%); highest among the groups gnomAD compares: Non-Finnish European, 0.000085%; no homozygotes.

Submission:

Labcorp Genetics (formerly Invitae), Labcorp
Classification: Uncertain significance for Multiple acyl-CoA dehydrogenase deficiency. Last evaluated: 2022-08-09. Review status: criteria provided, single submitter. Criteria: Invitae Variant Classification Sherloc (09022015). Collection method: clinical testing. Allele origin: germline.
Comment: This sequence change replaces valine, which is neutral and non-polar, with leucine, which is neutral and non-polar, at codon 587 of the ETFDH protein (p.Val587Leu). This variant is not present in population databases (gnomAD no frequency). This variant has not been reported in the literature in individuals affected with ETFDH-related conditions. Algorithms developed to predict the effect of missense changes on protein structure and function (SIFT, PolyPhen-2, Align-GVGD) all suggest that this variant is likely to be tolerated. In summary, the available evidence is currently insufficient to determine the role of this variant in disease. Therefore, it has been classified as a Variant of Uncertain Significance.

NM_004453.4(ETFDH):c.1759G>T (p.Val587Leu)

Gene: ETFDH (electron transfer flavoprotein dehydrogenase; plus strand). Cytogenetic location: 4q32.1.
Variant type: single nucleotide variant.
Coding change: c.1759G>T on transcript NM_004453.4 (MANE Select); coding-DNA position 1759, G replaced by T.
Protein change: p.Val587Leu; replaces valine 587 with leucine.
Molecular consequence: missense variant.
Genome position (GRCh38, 1-based): chr4:158,708,432, G>T. VCF-style: chr4-158708432-G-T. GRCh37 (hg19) VCF-style: chr4-159629584-G-T.
Other names: c.1618G>T, p.Val540Leu (NM_001281737.2); c.1576G>T, p.Val526Leu (NM_001281738.1); short protein forms V526L, V540L, V587L.
Identifiers: ClinVar variation 1938172 (VCV001938172.5), dbSNP rs2476741417, ClinGen allele CA358566631.